The following is an entry in ClinVar:

NM_002448.3(MSX1):c.817G>A (p.Gly273Ser)

Gene: MSX1 (msh homeobox 1; plus strand). Cytogenetic location: 4p16.2.
Variant type: single nucleotide variant.
Coding change: c.817G>A on transcript NM_002448.3 (MANE Select); coding-DNA position 817, G replaced by A.
Protein change: p.Gly273Ser; replaces glycine 273 with serine.
Molecular consequence: missense variant.
Genome position (GRCh38, 1-based): chr4:4,863,048, G>A. VCF-style: chr4-4863048-G-A. GRCh37 (hg19) VCF-style: chr4-4864775-G-A.
Other names: short protein forms G273S.
Identifiers: ClinVar variation 691922 (VCV000691922.5), dbSNP rs184700656, ClinGen allele CA2833129.

ClinVar aggregate classification (germline): Conflicting classifications of pathogenicity. Review status: criteria provided, conflicting classifications (1 of 4 stars). 3 submissions from 3 submitters: Uncertain significance (2); Likely benign (1). Last evaluated 2025-02-16.

Conditions:
Craniosynostosis syndrome. Also called: Craniosynostosis. Identifiers: Orphanet 1531, MedGen C0010278, MeSH D003398, MONDO:0015469, HP:0001363.
Hypoplastic enamel-onycholysis-hypohidrosis syndrome (TNS). Also called: WITKOP SYNDROME; Tooth-and-Nail Syndrome; NAIL DYSPLASIA WITH HYPODONTIA; ECTODERMAL DYSPLASIA 3, WITKOP TYPE; ECTODERMAL DYSPLASIA 3, TOOTH/NAIL TYPE. Identifiers: Orphanet 2228, MedGen C0406735, MONDO:0008582, OMIM 189500.

Allele frequency attached by ClinVar (database versions not stated): gnomAD 0.00006; TOPMed 0.00017; 1000 Genomes Project 0.00020; 1000 Genomes Project 30x 0.00031; ESP Exome Variant Server 0.00040.
gnomAD v4.1: 284 of 1,609,492 alleles (0.018%); highest among the groups gnomAD compares: Non-Finnish European, 0.021%; no homozygotes.

Submissions (3):

Laboratory of Genetics, Children's Clinical University Hospital Latvia
Classification: Likely benign. Last evaluated: 2025-02-16. Review status: criteria provided, single submitter. Criteria: ACMG Guidelines, 2015. Collection method: clinical testing. Allele origin: germline. Affected: yes.

Labcorp Genetics (formerly Invitae), Labcorp
Classification: Uncertain significance for Hypoplastic enamel-onycholysis-hypohidrosis syndrome. Last evaluated: 2023-03-29. Review status: criteria provided, single submitter. Criteria: Invitae Variant Classification Sherloc (09022015). Collection method: clinical testing. Allele origin: germline.
Comment: This sequence change replaces glycine, which is neutral and non-polar, with serine, which is neutral and polar, at codon 273 of the MSX1 protein (p.Gly273Ser). This variant is present in population databases (rs184700656, gnomAD 0.02%). This variant has not been reported in the literature in individuals affected with MSX1-related conditions. ClinVar contains an entry for this variant (Variation ID: 691922). Advanced modeling of protein sequence and biophysical properties (such as structural, functional, and spatial information, amino acid conservation, physicochemical variation, residue mobility, and thermodynamic stability) performed at Invitae indicates that this missense variant is not expected to disrupt MSX1 protein function. In summary, the available evidence is currently insufficient to determine the role of this variant in disease. Therefore, it has been classified as a Variant of Uncertain Significance.

Klinisk genetik och genomik Research, Gothenburg University
Classification: Uncertain significance for Craniosynostosis. Last evaluated: 2019-09-25. Review status: criteria provided, single submitter. Criteria: ACMG Guidelines, 2015. Collection method: research. Allele origin: inherited. Affected: yes.

Literature cited by the submitters: PubMed 31837199 (cited by Klinisk genetik och genomik Research, Gothenburg University).